The following is an entry in ClinVar:

ClinVar aggregate classification (germline): Uncertain significance (1 of 4 stars; one submission).

Allele frequency attached by ClinVar (database versions not stated): gnomAD 0.00001; TOPMed 0.00001.
gnomAD v4.1: 25 of 1,451,474 alleles (0.0017%); highest among the groups gnomAD compares: South Asian, 0.0052%; 1 homozygote.

Submission:

Labcorp Genetics (formerly Invitae), Labcorp
Classification: Uncertain significance. Last evaluated: 2025-09-22. Review status: criteria provided, single submitter. Criteria: Invitae Variant Classification Sherloc (09022015). Collection method: clinical testing. Allele origin: germline.
Comment: This sequence change replaces arginine, which is basic and polar, with glycine, which is neutral and non-polar, at codon 1459 of the DCHS1 protein (p.Arg1459Gly). This variant is present in population databases (rs770948061, gnomAD 0.006%). This variant has not been reported in the literature in individuals affected with DCHS1-related conditions. ClinVar contains an entry for this variant (Variation ID: 2787368). Invitae Evidence Modeling of protein sequence and biophysical properties (such as structural, functional, and spatial information, amino acid conservation, physicochemical variation, residue mobility, and thermodynamic stability) indicates that this missense variant is not expected to disrupt DCHS1 protein function with a negative predictive value of 80%. In summary, the available evidence is currently insufficient to determine the role of this variant in disease. Therefore, it has been classified as a Variant of Uncertain Significance.

NM_003737.4(DCHS1):c.4375C>G (p.Arg1459Gly)

Gene: DCHS1 (dachsous cadherin-related 1; minus strand). Cytogenetic location: 11p15.4.
Variant type: single nucleotide variant.
Coding change: c.4375C>G on transcript NM_003737.4 (MANE Select); coding-DNA position 4375, C replaced by G.
Protein change: p.Arg1459Gly; replaces arginine 1459 with glycine.
Molecular consequence: missense variant.
Genome position (GRCh38, 1-based): chr11:6,630,419, G>C on the plus strand (C>G on the coding strand, the complement: DCHS1 is on the minus strand). VCF-style: chr11-6630419-G-C. GRCh37 (hg19) VCF-style: chr11-6651650-G-C.
Other names: short protein forms R1459G.
Identifiers: ClinVar variation 2787368 (VCV002787368.3), dbSNP rs770948061, ClinGen allele CA5860340.